The following is an entry in ClinVar:

ClinVar aggregate classification (germline): Uncertain significance (1 of 4 stars; one submission).

Conditions:
RFT1-congenital disorder of glycosylation (CDG1N). Also called: RFT1-CDG; Congenital disorder of glycosylation type In; CDG In. Identifiers: Orphanet 244310, MedGen C2677590, MONDO:0012783, OMIM 612015.

Allele frequency attached by ClinVar (database versions not stated): TOPMed below 0.00001.
gnomAD v4.1: 3 of 1,613,524 alleles (0.00019%); highest among the groups gnomAD compares: East Asian, 0.0067%; no homozygotes.

Submission:

Labcorp Genetics (formerly Invitae), Labcorp
Classification: Uncertain significance for RFT1-congenital disorder of glycosylation. Last evaluated: 2022-07-25. Review status: criteria provided, single submitter. Criteria: Invitae Variant Classification Sherloc (09022015). Collection method: clinical testing. Allele origin: germline.
Comment: This sequence change replaces leucine, which is neutral and non-polar, with isoleucine, which is neutral and non-polar, at codon 98 of the RFT1 protein (p.Leu98Ile). In summary, the available evidence is currently insufficient to determine the role of this variant in disease. Therefore, it has been classified as a Variant of Uncertain Significance. Algorithms developed to predict the effect of missense changes on protein structure and function (SIFT, PolyPhen-2, Align-GVGD) all suggest that this variant is likely to be tolerated. This variant has not been reported in the literature in individuals affected with RFT1-related conditions. This variant is not present in population databases (gnomAD no frequency).

NM_052859.4(RFT1):c.292T>A (p.Leu98Ile)

Gene: RFT1 (RFT1 glycolipid translocator homolog; minus strand). Cytogenetic location: 3p21.1.
Variant type: single nucleotide variant.
Coding change: c.292T>A on transcript NM_052859.4 (MANE Select); coding-DNA position 292, T replaced by A.
Protein change: p.Leu98Ile; replaces leucine 98 with isoleucine.
Molecular consequence: missense variant.
Genome position (GRCh38, 1-based): chr3:53,122,538, A>T on the plus strand (T>A on the coding strand, the complement: RFT1 is on the minus strand). VCF-style: chr3-53122538-A-T. GRCh37 (hg19) VCF-style: chr3-53156554-A-T.
Other names: short protein forms L98I.
Identifiers: ClinVar variation 2052218 (VCV002052218.4), dbSNP rs1209713915, ClinGen allele CA353222322.